The following is an entry in ClinVar:

ClinVar aggregate classification (germline): Uncertain significance (1 of 4 stars; one submission).

Submission:

Ambry Genetics
Classification: Uncertain significance. Last evaluated: 2026-07-31. Review status: criteria provided, single submitter. Criteria: Ambry Variant Classification Scheme 2023. Collection method: clinical testing. Allele origin: germline.
Comment: The p.E2131D variant (also known as c.6393G>C), located in coding exon 27 of the WNK2 gene, results from a G to C substitution at nucleotide position 6393. The glutamic acid at codon 2131 is replaced by aspartic acid, an amino acid with highly similar properties. This amino acid position is conserved. In addition, this alteration is predicted to be tolerated by in silico analysis. Based on the available evidence, the clinical significance of this variant remains unclear.

NM_006648.4(WNK2):c.6393G>C (p.Glu2131Asp)

Gene: WNK2 (WNK lysine deficient protein kinase 2; plus strand). Cytogenetic location: 9q22.31.
Variant type: single nucleotide variant.
Coding change: c.6393G>C on transcript NM_006648.4 (MANE Select); coding-DNA position 6393, G replaced by C.
Protein change: p.Glu2131Asp; replaces glutamic acid 2131 with aspartic acid.
Molecular consequence: missense variant.
Genome position (GRCh38, 1-based): chr9:93,308,461, G>C. VCF-style: chr9-93308461-G-C. GRCh37 (hg19) VCF-style: chr9-96070743-G-C.
Other names: c.6504G>C, p.Glu2168Asp (NM_001282394.3); short protein forms E2131D, E2168D.
Identifiers: ClinVar variation 5031893 (VCV005031893.1).